The following is an entry in ClinVar:

NM_003172.4(SURF1):c.516-12del

Gene: SURF1 (SURF1 cytochrome c oxidase assembly factor; minus strand). Cytogenetic location: 9q34.2.
Variant type: Deletion.
Coding change: c.516-12del on transcript NM_003172.4 (MANE Select); 12 bases into the intron before coding-DNA position 516, one base deleted (T; older notation c.516-12delT).
Molecular consequence: intron variant.
Genome position (GRCh38, 1-based): chr9:133,352,778, A deleted on the plus strand (T on the coding strand, the reverse complement: SURF1 is on the minus strand); the first of 3 consecutive A bases (chr9:133,352,778-133,352,780); deleting any one gives the same sequence. VCF-style (leftmost placement, unchanged base first): chr9-133352777-GA-G. GRCh37 (hg19) VCF-style: chr9-136219632-GA-G.
Other names: c.189-12del (NM_001280787.1).
Identifiers: ClinVar variation 1595590 (VCV001595590.10), dbSNP rs781784237, ClinGen allele CA200832549.

ClinVar aggregate classification (germline): Conflicting classifications of pathogenicity. Review status: criteria provided, conflicting classifications (1 of 4 stars). 2 submissions from 2 submitters: Uncertain significance (1); Likely benign (1). Last evaluated 2026-01-23.

Conditions:
Leigh syndrome (NULS). Also called: Leigh's syndrome; Subacute necrotizing encephalopathy; Necrotizing encephalopathy infantile subacute of Leigh; Leigh's necrotizing encephalopathy; Leigh's disease; Leigh Syndrome (mtDNA deletion). Identifiers: Orphanet 506, MedGen C2931891, MONDO:0009723, OMIM 256000.

Submissions (2):

Labcorp Genetics (formerly Invitae), Labcorp
Classification: Likely benign for Leigh syndrome. Last evaluated: 2026-01-23. Review status: criteria provided, single submitter. Criteria: Invitae Variant Classification Sherloc (09022015). Collection method: clinical testing. Allele origin: germline.

GeneDx
Classification: Uncertain significance. Last evaluated: 2024-03-27. Review status: criteria provided, single submitter. Criteria: GeneDx Variant Classification Process June 2021. Collection method: clinical testing. Allele origin: germline. Affected: yes.
Comment: Has not been previously published as pathogenic or benign to our knowledge; In silico analysis is inconclusive as to whether the variant alters gene splicing. In the absence of RNA/functional studies, the actual effect of this sequence change is unknown.